The following is an entry in ClinVar:

ClinVar aggregate classification (germline): Likely benign (0 of 4 stars; one submission).

Conditions:
PLXNA4-related disorder. Also called: PLXNA4-related condition.

Allele frequency attached by ClinVar (database versions not stated): ESP Exome Variant Server 0.00016; 1000 Genomes Project 30x 0.00031; 1000 Genomes Project 0.00040.
gnomAD v4.1: 78 of 1,614,172 alleles (0.0048%); highest among the groups gnomAD compares: African/African-American, 0.036%; no homozygotes.

Submission:

PreventionGenetics, part of Exact Sciences
Classification: Likely benign for PLXNA4-related condition. Last evaluated: 2021-11-17. Review status: no assertion criteria provided. Collection method: clinical testing. Allele origin: germline.
Comment: This variant is classified as likely benign based on ACMG/AMP sequence variant interpretation guidelines (Richards et al. 2015 PMID: 25741868, with internal and published modifications).

NM_020911.2(PLXNA4):c.1473C>T (p.His491=)

Gene: PLXNA4 (plexin A4; minus strand). Cytogenetic location: 7q32.3.
Variant type: single nucleotide variant.
Coding change: c.1473C>T on transcript NM_020911.2 (MANE Select); coding-DNA position 1473, C replaced by T.
Protein change: p.His491=; no amino-acid change (histidine 491 retained).
Molecular consequence: synonymous variant.
Genome position (GRCh38, 1-based): chr7:132,298,121, G>A on the plus strand (C>T on the coding strand, the complement: PLXNA4 is on the minus strand). VCF-style: chr7-132298121-G-A. GRCh37 (hg19) VCF-style: chr7-131982880-G-A.
Other names: c.1473C>T, p.His491= (NM_001393897.1).
Identifiers: ClinVar variation 3030759 (VCV003030759.2), dbSNP rs200301458, ClinGen allele CA4490143.